The following is an entry in ClinVar:

ClinVar aggregate classification (germline): Uncertain significance. Review status: criteria provided, multiple submitters, no conflicts (2 of 4 stars). 2 submissions from 2 submitters: Uncertain significance (2). Last evaluated 2024-10-24.

Conditions:
Mismatch repair cancer syndrome 3. Identifiers: MedGen C5436807, MONDO:0030841, OMIM 619097.
Endometrial carcinoma. Also called: Endometrial carcinoma, somatic. Identifiers: MedGen C0476089, MONDO:0002447, OMIM 608089, HP:0012114.
Lynch syndrome 5 (LYNCH5). Also called: Colorectal cancer, hereditary nonpolyposis, type 5; Hereditary non-polyposis colorectal cancer, type 5. Identifiers: Orphanet 144, MedGen C1833477, MONDO:0013710, OMIM 614350. Disease mechanism: loss of function.
Hereditary nonpolyposis colorectal neoplasms. Identifiers: MedGen C0009405, MeSH D003123.

Submissions (2):

Department of Pathology and Laboratory Medicine, Sinai Health System
Classification: Uncertain significance for Endometrial carcinoma; Lynch syndrome 5; Mismatch repair cancer syndrome 3. Last evaluated: 2024-10-24. Review status: criteria provided, single submitter. Criteria: ACMG Guidelines, 2015. Collection method: clinical testing. Allele origin: germline.

Labcorp Genetics (formerly Invitae), Labcorp
Classification: Uncertain significance for Hereditary nonpolyposis colorectal neoplasms. Last evaluated: 2024-10-07. Review status: criteria provided, single submitter. Criteria: Invitae Variant Classification Sherloc (09022015). Collection method: clinical testing. Allele origin: germline.
Comment: This sequence change replaces alanine, which is neutral and non-polar, with glycine, which is neutral and non-polar, at codon 1162 of the MSH6 protein (p.Ala1162Gly). This variant is not present in population databases (gnomAD no frequency). This variant has not been reported in the literature in individuals affected with MSH6-related conditions. Invitae Evidence Modeling of protein sequence and biophysical properties (such as structural, functional, and spatial information, amino acid conservation, physicochemical variation, residue mobility, and thermodynamic stability) has been performed for this missense variant. However, the output from this modeling did not meet the statistical confidence thresholds required to predict the impact of this variant on MSH6 protein function. This variant disrupts the p.Ala1162 amino acid residue in MSH6. Other variant(s) that disrupt this residue have been determined to be pathogenic (internal data). This suggests that this residue is clinically significant, and that variants that disrupt this residue are likely to be disease-causing. In summary, the available evidence is currently insufficient to determine the role of this variant in disease. Therefore, it has been classified as a Variant of Uncertain Significance.

NM_000179.3(MSH6):c.3485C>G (p.Ala1162Gly)

Gene: MSH6 (mutS homolog 6; plus strand). Cytogenetic location: 2p16.3.
Variant type: single nucleotide variant.
Coding change: c.3485C>G on transcript NM_000179.3 (MANE Select); coding-DNA position 3485, C replaced by G.
Protein change: p.Ala1162Gly; replaces alanine 1162 with glycine.
Molecular consequence: missense variant. On other transcripts: non-coding transcript variant (4).
Genome position (GRCh38, 1-based): chr2:47,804,956, C>G. VCF-style: chr2-47804956-C-G. GRCh37 (hg19) VCF-style: chr2-48032095-C-G.
Other names: c.3095C>G, p.Ala1032Gly (NM_001281492.2); c.2579C>G, p.Ala860Gly (NM_001281493.2, NM_001281494.2, NM_001406811.1 and 6 more transcripts); c.3581C>G, p.Ala1194Gly (NM_001406795.1, NM_001406802.1); c.3485C>G, p.Ala1162Gly (NM_001406796.1, NM_001406800.1, NM_001406808.1 and 1 more transcripts); c.3188C>G, p.Ala1063Gly (NM_001406797.1, NM_001406801.1, NM_001406805.1 and 10 more transcripts); c.3311C>G, p.Ala1104Gly (NM_001406798.1); c.2960C>G, p.Ala987Gly (NM_001406799.1, NM_001406806.1, NM_001406807.1); c.2621C>G, p.Ala874Gly (NM_001406803.1); and 7 more; short protein forms A477G, A640G, A860G, A1106G, A1136G, A874G, A987G, A1104G.
Identifiers: ClinVar variation 3633970 (VCV003633970.3).